The following is an entry in ClinVar:

NM_003119.4(SPG7):c.2052G>C (p.Met684Ile)

Gene: SPG7 (SPG7 matrix AAA peptidase subunit, paraplegin; plus strand). Cytogenetic location: 16q24.3.
Variant type: single nucleotide variant.
Coding change: c.2052G>C on transcript NM_003119.4 (MANE Select); coding-DNA position 2052, G replaced by C.
Protein change: p.Met684Ile; replaces methionine 684 with isoleucine.
Molecular consequence: missense variant.
Genome position (GRCh38, 1-based): chr16:89,553,909, G>C. VCF-style: chr16-89553909-G-C. GRCh37 (hg19) VCF-style: chr16-89620317-G-C.
Other names: c.2052G>C, p.Met684Ile (NM_001363850.1); short protein forms M684I.
Identifiers: ClinVar variation 1878222 (VCV001878222.1), dbSNP rs370304458, ClinGen allele CA8244516.

ClinVar aggregate classification (germline): Uncertain significance (1 of 4 stars; one submission).

Allele frequency attached by ClinVar (database versions not stated): TOPMed below 0.00001; gnomAD 0.00001; ExAC 0.00002; ESP Exome Variant Server 0.00008.
gnomAD v4.1: 18 of 1,612,834 alleles (0.0011%); highest among the groups gnomAD compares: Non-Finnish European, 0.0015%; no homozygotes.

Submission:

Women's Health and Genetics/Laboratory Corporation of America, LabCorp
Classification: Uncertain significance. Last evaluated: 2022-12-06. Review status: criteria provided, single submitter. Criteria: LabCorp Variant Classification Summary - May 2015. Collection method: clinical testing. Allele origin: germline.
Comment: Variant summary: SPG7 c.2052G>C (p.Met684Ile) results in a conservative amino acid change located in the Peptidase M41 domain (IPR000642) of the encoded protein sequence. Five of five in-silico tools predict a benign effect of the variant on protein function. The variant allele was found at a frequency of 8e-06 in 250076 control chromosomes. The available data on variant occurrences in the general population are insufficient to allow any conclusion about variant significance. To our knowledge, no occurrence of c.2052G>C in individuals affected with Hereditary Spastic Paraplegia 7 and no experimental evidence demonstrating its impact on protein function have been reported. No clinical diagnostic laboratories have submitted clinical-significance assessments for this variant to ClinVar after 2014. Based on the evidence outlined above, the variant was classified as uncertain significance.